The following is an entry in ClinVar:

NM_000215.4(JAK3):c.2679G>A (p.Pro893=)

Gene: JAK3 (Janus kinase 3; minus strand). Cytogenetic location: 19p13.11.
Variant type: single nucleotide variant.
Coding change: c.2679G>A on transcript NM_000215.4 (MANE Select); coding-DNA position 2679, G replaced by A.
Protein change: p.Pro893=; no amino-acid change (proline 893 retained).
Molecular consequence: synonymous variant.
Genome position (GRCh38, 1-based): chr19:17,832,520, C>T on the plus strand (G>A on the coding strand, the complement: JAK3 is on the minus strand). VCF-style: chr19-17832520-C-T. GRCh37 (hg19) VCF-style: chr19-17943329-C-T.
Identifiers: ClinVar variation 848362 (VCV000848362.7), dbSNP rs200480252, ClinGen allele CA306127697.
Genomic context (GRCh38, chr19:17,832,520, plus strand): 5'-AATGTGCACTTTGAAAAGCACCCATACGTCTTGGTTCACTCATCCGGGAGCTGGCTCACC[C>T]GGGCCATAGCTGACACCACGATACTTGACAATGAAATCACTGTGCAGTGCTTTGAGGATC-3'
Protein context (NP_000206.2, residues 883-903): IVKYRGVSYG[Pro893=]GRQSLRLVME

ClinVar aggregate classification (germline): Conflicting classifications of pathogenicity. Review status: criteria provided, conflicting classifications (1 of 4 stars). 2 submissions from 2 submitters: Uncertain significance (1); Likely benign (1). Last evaluated 2024-10-08.

Conditions:
T-B+ severe combined immunodeficiency due to JAK3 deficiency. Also called: SCID, T CELL-NEGATIVE, B CELL-POSITIVE, NK CELL-NEGATIVE; SCID, autosomal recessive, T-negative/B-positive type. Identifiers: Orphanet 35078, MedGen C1833275, MONDO:0010938, OMIM 600802.

Allele frequency attached by ClinVar (database versions not stated): gnomAD 0.00001; gnomAD exomes 0.00001; TOPMed 0.00003.
gnomAD v4.1: 9 of 1,614,042 alleles (0.00056%); highest among the groups gnomAD compares: Admixed American, 0.0067%; no homozygotes.

Submissions (2):

Labcorp Genetics (formerly Invitae), Labcorp
Classification: Uncertain significance for T-B+ severe combined immunodeficiency due to JAK3 deficiency. Last evaluated: 2024-10-08. Review status: criteria provided, single submitter. Criteria: Invitae Variant Classification Sherloc (09022015). Collection method: clinical testing. Allele origin: germline.
Comment: This sequence change affects codon 893 of the JAK3 mRNA. It is a 'silent' change, meaning that it does not change the encoded amino acid sequence of the JAK3 protein. It affects a nucleotide within the consensus splice site. This variant is present in population databases (rs200480252, gnomAD 0.006%). This variant has not been reported in the literature in individuals affected with JAK3-related conditions. ClinVar contains an entry for this variant (Variation ID: 848362). Algorithms developed to predict the effect of sequence changes on RNA splicing suggest that this variant is not likely to affect RNA splicing. In summary, the available evidence is currently insufficient to determine the role of this variant in disease. Therefore, it has been classified as a Variant of Uncertain Significance.

Blueprint Genetics
Classification: Likely benign. Last evaluated: 2022-11-17. Review status: criteria provided, single submitter. Criteria: ACMG Guidelines, 2015. Collection method: clinical testing. Allele origin: germline.